The following is an entry in ClinVar:

NM_000051.4(ATM):c.6689T>G (p.Ile2230Ser)

Genes: ATM (ATM serine/threonine kinase; plus strand), C11orf65 (chromosome 11 open reading frame 65; minus strand). Cytogenetic location: 11q22.3.
Variant type: single nucleotide variant.
Coding change: c.6689T>G on transcript NM_000051.4 (MANE Select); coding-DNA position 6689, T replaced by G.
Protein change: p.Ile2230Ser; replaces isoleucine 2230 with serine.
Molecular consequence: missense variant. On other transcripts: intron variant (2).
Genome position (GRCh38, 1-based): chr11:108,325,426, T>G. VCF-style: chr11-108325426-T-G. GRCh37 (hg19) VCF-style: chr11-108196153-T-G.
Other names: c.6689T>G, p.Ile2230Ser (NM_001351834.2); c.641-16355A>C (NM_001330368.2); c.*38+9794A>C (NM_001351110.2); short protein forms I2230S.
Identifiers: ClinVar variation 4747243 (VCV004747243.1).

ClinVar aggregate classification (germline): Uncertain significance (1 of 4 stars; one submission).

Conditions:
Ataxia-telangiectasia syndrome (AT). Also called: LOUIS-BAR SYNDROME; Cerebello-oculocutaneous telangiectasia; Immunodeficiency with ataxia telangiectasia; Ataxia-telangiectasia, complementation group D; AT, COMPLEMENTATION GROUP C; ATAXIA-TELANGIECTASIA, COMPLEMENTATION GROUP A. Identifiers: Orphanet 100, MedGen C0004135, MONDO:0008840, OMIM 208900.

Submission:

Labcorp Genetics (formerly Invitae), Labcorp
Classification: Uncertain significance for Ataxia-telangiectasia syndrome. Last evaluated: 2025-07-02. Review status: criteria provided, single submitter. Criteria: Invitae Variant Classification Sherloc (09022015). Collection method: clinical testing. Allele origin: germline.
Comment: This sequence change replaces isoleucine, which is neutral and non-polar, with serine, which is neutral and polar, at codon 2230 of the ATM protein (p.Ile2230Ser). This variant is not present in population databases (gnomAD no frequency). This variant has not been reported in the literature in individuals affected with ATM-related conditions. Invitae Evidence Modeling of protein sequence and biophysical properties (such as structural, functional, and spatial information, amino acid conservation, physicochemical variation, residue mobility, and thermodynamic stability) indicates that this missense variant is not expected to disrupt ATM protein function with a negative predictive value of 95%. In summary, the available evidence is currently insufficient to determine the role of this variant in disease. Therefore, it has been classified as a Variant of Uncertain Significance.